The following is an entry in ClinVar:

NM_003835.4(RGS9):c.1561A>G (p.Ile521Val)

Gene: RGS9 (regulator of G protein signaling 9; plus strand). Cytogenetic location: 17q24.1.
Variant type: single nucleotide variant.
Coding change: c.1561A>G on transcript NM_003835.4 (MANE Select); coding-DNA position 1561, A replaced by G.
Protein change: p.Ile521Val; replaces isoleucine 521 with valine.
Molecular consequence: missense variant.
Genome position (GRCh38, 1-based): chr17:65,225,155, A>G. VCF-style: chr17-65225155-A-G. GRCh37 (hg19) VCF-style: chr17-63221273-A-G.
Other names: c.1552A>G, p.Ile518Val (NM_001081955.3); short protein forms I518V, I521V.
Identifiers: ClinVar variation 844149 (VCV000844149.8), dbSNP rs755826378, ClinGen allele CA8718093.

ClinVar aggregate classification (germline): Conflicting classifications of pathogenicity. Review status: criteria provided, conflicting classifications (1 of 4 stars). 2 submissions from 2 submitters: Uncertain significance (1); Likely benign (1). Last evaluated 2024-12-02.

Allele frequency attached by ClinVar (database versions not stated): TOPMed 0.00003; gnomAD exomes 0.00010; ExAC 0.00011.
gnomAD v4.1: 39 of 1,613,344 alleles (0.0024%); highest among the groups gnomAD compares: Admixed American, 0.03%; no homozygotes.

Submissions (2):

Labcorp Genetics (formerly Invitae), Labcorp
Classification: Uncertain significance. Last evaluated: 2024-12-02. Review status: criteria provided, single submitter. Criteria: Invitae Variant Classification Sherloc (09022015). Collection method: clinical testing. Allele origin: germline.
Comment: This sequence change replaces isoleucine, which is neutral and non-polar, with valine, which is neutral and non-polar, at codon 521 of the RGS9 protein (p.Ile521Val). This variant is present in population databases (rs755826378, gnomAD 0.05%). This variant has not been reported in the literature in individuals affected with RGS9-related conditions. ClinVar contains an entry for this variant (Variation ID: 844149). Invitae Evidence Modeling of protein sequence and biophysical properties (such as structural, functional, and spatial information, amino acid conservation, physicochemical variation, residue mobility, and thermodynamic stability) indicates that this missense variant is not expected to disrupt RGS9 protein function with a negative predictive value of 80%. In summary, the available evidence is currently insufficient to determine the role of this variant in disease. Therefore, it has been classified as a Variant of Uncertain Significance.

Blueprint Genetics
Classification: Likely benign. Last evaluated: 2024-10-08. Review status: criteria provided, single submitter. Criteria: ACMG Guidelines, 2015. Collection method: clinical testing. Allele origin: germline.